The following is an entry in ClinVar:

ClinVar aggregate classification (germline): Uncertain significance. Review status: criteria provided, single submitter (1 of 4 stars). 2 submissions from 2 submitters: Uncertain significance (1). 1 of the submissions does not count toward it. Last evaluated 2024-03-13.

Conditions:
Tuberous sclerosis syndrome (TSC). Also called: Tuberous sclerosis; Tuberous Sclerosis Complex. Identifiers: Orphanet 805, MedGen C0041341, MONDO:0001734.
Hereditary cancer-predisposing syndrome. Also called: Neoplastic Syndromes, Hereditary; Tumor predisposition; Hereditary neoplastic syndrome; Hereditary Cancer Syndrome. Identifiers: Orphanet 140162, MedGen C0027672, MeSH D009386, MONDO:0015356.

Allele frequency attached by ClinVar (database versions not stated): gnomAD exomes below 0.00001; gnomAD 0.00001; TOPMed 0.00001.
gnomAD v4.1: 3 of 1,611,688 alleles (0.00019%); highest among the groups gnomAD compares: African/African-American, 0.0027%; no homozygotes.

Submissions (2):

Ambry Genetics
Classification: Uncertain significance for Hereditary cancer-predisposing syndrome. Last evaluated: 2024-03-13. Review status: criteria provided, single submitter. Criteria: Ambry Variant Classification Scheme 2023. Collection method: clinical testing. Allele origin: germline.
Comment: The p.M322I variant (also known as c.966G>A), located in coding exon 8 of the TSC1 gene, results from a G to A substitution at nucleotide position 966. The methionine at codon 322 is replaced by isoleucine, an amino acid with highly similar properties. This amino acid position is conserved. In addition, this alteration is predicted to be tolerated by in silico analysis. Based on the available evidence, the clinical significance of this alteration remains unclear.

Tuberous sclerosis database (TSC1)
No classification provided. Condition: TSC. Review status: no classification provided. Criteria: Tuberous Sclerosis Database Assertion Criteria 2015. Collection method: curation. Allele origin: germline. Affected: yes. Not counted in ClinVar's aggregate classification.

NM_000368.5(TSC1):c.966G>A (p.Met322Ile)

Gene: TSC1 (TSC complex subunit 1; minus strand). Cytogenetic location: 9q34.13.
Variant type: single nucleotide variant.
Coding change: c.966G>A on transcript NM_000368.5 (MANE Select); coding-DNA position 966, G replaced by A.
Protein change: p.Met322Ile; replaces methionine 322 with isoleucine.
Molecular consequence: missense variant.
Genome position (GRCh38, 1-based): chr9:132,911,516, C>T on the plus strand (G>A on the coding strand, the complement: TSC1 is on the minus strand). VCF-style: chr9-132911516-C-T. GRCh37 (hg19) VCF-style: chr9-135786903-C-T.
Other names: c.966G>A, p.Met322Ile (NM_001162426.2); c.813G>A, p.Met271Ile (NM_001162427.2); c.603G>A, p.Met201Ile (NM_001362177.2); short protein forms M322I, M201I, M271I.
Identifiers: ClinVar variation 64746 (VCV000064746.4), dbSNP rs397514807, ClinGen allele CA008456.